The following is an entry in ClinVar:

ClinVar aggregate classification (germline): Likely benign (1 of 4 stars; one submission).

gnomAD v4.1: 7 of 1,613,458 alleles (0.00043%); highest among the groups gnomAD compares: Non-Finnish European, 0.00051%; no homozygotes.

Submission:

CeGaT Center for Human Genetics Tuebingen
Classification: Likely benign. Last evaluated: 2024-10-01. Review status: criteria provided, single submitter. Criteria: CeGaT Center For Human Genetics Tuebingen Variant Classification Criteria Version 2. Collection method: clinical testing. Allele origin: germline. Affected: yes. Observed: 1 variant allele.
Comment: NAXD: BP4, BP7

NM_001242882.2(NAXD):c.840-43G>A

Gene: NAXD (NAD(P)HX dehydratase; plus strand). Cytogenetic location: 13q34.
Variant type: single nucleotide variant.
Coding change: c.840-43G>A on transcript NM_001242882.2 (MANE Select); 43 bases into the intron before coding-DNA position 840, G replaced by A.
Molecular consequence: intron variant. On other transcripts: synonymous variant (1).
Genome position (GRCh38, 1-based): chr13:110,638,335, G>A. VCF-style: chr13-110638335-G-A. GRCh37 (hg19) VCF-style: chr13-111290682-G-A.
Other names: c.987G>A, p.Thr329= (NM_018210.4); c.564-43G>A (NM_001242883.2); c.894-43G>A (NM_001242881.2).
Identifiers: ClinVar variation 3390345 (VCV003390345.14).